The following is an entry in ClinVar:

ClinVar aggregate classification (germline): Uncertain significance (1 of 4 stars; one submission).

Conditions:
Hearing loss, autosomal recessive 99. Also called: DEAFNESS, AUTOSOMAL RECESSIVE 99. Identifiers: MedGen C4760579, MONDO:0032776, OMIM 618481.

gnomAD v4.1: 83 of 1,385,272 alleles (0.006%); highest among the groups gnomAD compares: East Asian, 0.21%; 1 homozygote.

Submission:

Juno Genomics, Hangzhou Juno Genomics, Inc
Classification: Uncertain significance for Hearing loss, autosomal recessive 99. Review status: criteria provided, single submitter. Criteria: ACMG Guidelines, 2015. Collection method: clinical testing. Allele origin: germline.
Comment: Absent from controls (or at extremely low frequency if recessive) in Genome Aggregation Database.

NM_001304438.2(TMEM132E):c.689C>T (p.Ala230Val)

Gene: TMEM132E (transmembrane protein 132E; plus strand). Cytogenetic location: 17q12.
Variant type: single nucleotide variant.
Coding change: c.689C>T on transcript NM_001304438.2 (MANE Select); coding-DNA position 689, C replaced by T.
Protein change: p.Ala230Val; replaces alanine 230 with valine.
Molecular consequence: missense variant.
Genome position (GRCh38, 1-based): chr17:34,626,748, C>T. VCF-style: chr17-34626748-C-T. GRCh37 (hg19) VCF-style: chr17-32953767-C-T.
Other names: short protein forms A230V.
Identifiers: ClinVar variation 5005740 (VCV005005740.2).